The following is an entry in ClinVar:

NM_001458.5(FLNC):c.6621_6638del (p.Glu2208_Val2213del)

Genes: FLNC-AS1 (FLNC antisense RNA 1; minus strand), FLNC (filamin C; plus strand). Cytogenetic location: 7q32.1.
Variant type: Deletion.
Coding change: c.6621_6638del on transcript NM_001458.5 (MANE Select); coding-DNA positions 6621 to 6638, 18 bases deleted (GGAGGAGTCCACCCAGGT).
Protein change: p.Glu2208_Val2213del.
Molecular consequence: inframe deletion.
Genome position (GRCh38, 1-based): chr7:128,854,110-128,854,127, GGAGGAGTCCACCCAGGT deleted; deleting any 18 consecutive bases within chr7:128,854,107-128,854,127 gives the same sequence; the c. name uses the placement nearest the transcript's 3' end. VCF-style (leftmost placement, unchanged base first): chr7-128854106-GGGTGGAGGAGTCCACCCA-G. GRCh37 (hg19) VCF-style: chr7-128494160-GGGTGGAGGAGTCCACCCA-G.
Other names: c.6522_6539del, p.Glu2175_Val2180del (NM_001127487.2).
Identifiers: ClinVar variation 1486215 (VCV001486215.8), dbSNP rs2128939305, ClinGen allele CA2573141609.

ClinVar aggregate classification (germline): Uncertain significance (1 of 4 stars; one submission).

Conditions:
Myofibrillar myopathy 5. Also called: FILAMINOPATHY, AUTOSOMAL DOMINANT; Filaminopathy (type). Identifiers: Orphanet 171445, MedGen C1836050, MONDO:0012289, OMIM 609524.
Distal myopathy with posterior leg and anterior hand involvement. Also called: WILLIAMS DISTAL MYOPATHY. Identifiers: Orphanet 63273, MedGen C3279722, MONDO:0013550, OMIM 614065.
Hypertrophic cardiomyopathy 26. Also called: Cardiomyopathy, familial hypertrophic, 26. Identifiers: Orphanet 75249, MedGen C4310749, MONDO:0014883, OMIM 617047.

Submission:

Labcorp Genetics (formerly Invitae), Labcorp
Classification: Uncertain significance for Distal myopathy with posterior leg and anterior hand involvement; Myofibrillar myopathy 5; Hypertrophic cardiomyopathy 26. Last evaluated: 2020-11-02. Review status: criteria provided, single submitter. Criteria: Invitae Variant Classification Sherloc (09022015). Collection method: clinical testing. Allele origin: germline.
Comment: In summary, the available evidence is currently insufficient to determine the role of this variant in disease. Therefore, it has been classified as a Variant of Uncertain Significance. Experimental studies and prediction algorithms are not available or were not evaluated, and the functional significance of this variant is currently unknown. This variant has not been reported in the literature in individuals with FLNC-related conditions. This variant is not present in population databases (ExAC no frequency). This variant, c.6621_6638del, results in the deletion of 6 amino acid(s) of the FLNC protein (p.Glu2208_Val2213del), but otherwise preserves the integrity of the reading frame.